The following is an entry in ClinVar:

ClinVar aggregate classification (germline): Uncertain significance. Review status: criteria provided, multiple submitters, no conflicts (2 of 4 stars). 2 submissions from 2 submitters: Uncertain significance (2). Last evaluated 2025-09-26.

Conditions:
Inborn genetic diseases. Identifiers: MedGen C0950123, MeSH D030342.

gnomAD v4.1: 14 of 1,612,476 alleles (0.00087%); highest among the groups gnomAD compares: Non-Finnish European, 0.0011%; no homozygotes.

Submissions (2):

Ambry Genetics
Classification: Uncertain significance for Inborn genetic diseases. Last evaluated: 2025-09-26. Review status: criteria provided, single submitter. Criteria: Ambry Variant Classification Scheme 2023. Collection method: clinical testing. Allele origin: germline.

Labcorp Genetics (formerly Invitae), Labcorp
Classification: Uncertain significance. Last evaluated: 2024-04-08. Review status: criteria provided, single submitter. Criteria: Invitae Variant Classification Sherloc (09022015). Collection method: clinical testing. Allele origin: germline.
Comment: This sequence change replaces cysteine, which is neutral and slightly polar, with arginine, which is basic and polar, at codon 728 of the C7 protein (p.Cys728Arg). This variant is present in population databases (rs780204916, gnomAD 0.0009%). This variant has not been reported in the literature in individuals affected with C7-related conditions. Advanced modeling of protein sequence and biophysical properties (such as structural, functional, and spatial information, amino acid conservation, physicochemical variation, residue mobility, and thermodynamic stability) performed at Invitae indicates that this missense variant is expected to disrupt C7 protein function with a positive predictive value of 80%. In summary, the available evidence is currently insufficient to determine the role of this variant in disease. Therefore, it has been classified as a Variant of Uncertain Significance.

NM_000587.4(C7):c.2182T>C (p.Cys728Arg)

Gene: C7 (complement C7; plus strand). Cytogenetic location: 5p13.1.
Variant type: single nucleotide variant.
Coding change: c.2182T>C on transcript NM_000587.4 (MANE Select); coding-DNA position 2182, T replaced by C.
Protein change: p.Cys728Arg; replaces cysteine 728 with arginine.
Molecular consequence: missense variant.
Genome position (GRCh38, 1-based): chr5:40,979,741, T>C. VCF-style: chr5-40979741-T-C. GRCh37 (hg19) VCF-style: chr5-40979843-T-C.
Other names: short protein forms C728R.
Identifiers: ClinVar variation 3641597 (VCV003641597.2).